The following is an entry in ClinVar:

NM_003924.4(PHOX2B):c.657C>T (p.Ser219=)

Gene: PHOX2B (paired like homeobox 2B; minus strand). Cytogenetic location: 4p13.
Variant type: single nucleotide variant.
Coding change: c.657C>T on transcript NM_003924.4 (MANE Select); coding-DNA position 657, C replaced by T.
Protein change: p.Ser219=; no amino-acid change (serine 219 retained).
Molecular consequence: synonymous variant.
Genome position (GRCh38, 1-based): chr4:41,746,095, G>A on the plus strand (C>T on the coding strand, the complement: PHOX2B is on the minus strand). VCF-style: chr4-41746095-G-A. GRCh37 (hg19) VCF-style: chr4-41748112-G-A.
Identifiers: ClinVar variation 2563114 (VCV002563114.10), dbSNP rs1194972256, ClinGen allele CA439142961.

ClinVar aggregate classification (germline): Likely benign. Review status: criteria provided, multiple submitters, no conflicts (2 of 4 stars). 2 submissions from 2 submitters: Likely benign (2). Last evaluated 2025-08-01.

Conditions:
Hereditary cancer-predisposing syndrome. Also called: Neoplastic Syndromes, Hereditary; Tumor predisposition; Hereditary Cancer Syndrome; Hereditary neoplastic syndrome. Identifiers: Orphanet 140162, MedGen C0027672, MeSH D009386, MONDO:0015356.

Submissions (2):

CeGaT Center for Human Genetics Tuebingen
Classification: Likely benign. Last evaluated: 2025-08-01. Review status: criteria provided, single submitter. Criteria: CeGaT Center For Human Genetics Tuebingen Variant Classification Criteria Version 2. Collection method: clinical testing. Allele origin: germline. Affected: yes. Observed: 1 variant allele.
Comment: PHOX2B: BP4, BP7

Ambry Genetics
Classification: Likely benign for Hereditary cancer-predisposing syndrome. Last evaluated: 2023-06-05. Review status: criteria provided, single submitter. Criteria: Ambry Variant Classification Scheme 2023. Collection method: clinical testing. Allele origin: germline.